The following is an entry in ClinVar:

NM_022835.3(PLEKHG2):c.2543G>A (p.Arg848Gln)

Gene: PLEKHG2 (pleckstrin homology and RhoGEF domain containing G2; plus strand). Cytogenetic location: 19q13.2.
Variant type: single nucleotide variant.
Coding change: c.2543G>A on transcript NM_022835.3 (MANE Select); coding-DNA position 2543, G replaced by A.
Protein change: p.Arg848Gln; replaces arginine 848 with glutamine.
Molecular consequence: missense variant. On other transcripts: intron variant (1).
Genome position (GRCh38, 1-based): chr19:39,423,597, G>A. VCF-style: chr19-39423597-G-A. GRCh37 (hg19) VCF-style: chr19-39914237-G-A.
Other names: c.2366G>A, p.Arg789Gln (NM_001351693.2); c.1677+1309G>A (NM_001351694.2); short protein forms R789Q, R848Q.
Identifiers: ClinVar variation 1029862 (VCV001029862.5), dbSNP rs199844800, ClinGen allele CA9429804.
Genomic context (GRCh38, chr19:39,423,597, plus strand): 5'-TCCAGCAGATGCAGCGGGCGGAGACTCGGGCATCAGCCAATGCCCCGCGCCGCCGGCCTC[G>A]GGTTCTGGCCCAACCCCAGCCATCCCCCTGTCTGCCCCAGGAGCAGGCAGAGCCAGGTGA-3'
Protein context (NP_073746.2, residues 838-858): ASANAPRRRP[Arg848Gln]VLAQPQPSPC

ClinVar aggregate classification (germline): Uncertain significance. Review status: criteria provided, multiple submitters, no conflicts (2 of 4 stars). 3 submissions from 3 submitters: Uncertain significance (3). Last evaluated 2024-08-21.

Conditions:
Leukodystrophy and acquired microcephaly with or without dystonia;. Also called: Leukodystrophy and acquired microcephaly with or without dystonia. Identifiers: MedGen C4225213, MONDO:0014766, OMIM 616763.

Allele frequency attached by ClinVar (database versions not stated): gnomAD exomes 0.00005; ExAC 0.00013; gnomAD 0.00029 and 0.00034; ESP Exome Variant Server 0.00039; TOPMed 0.00039.
gnomAD v4.1: 118 of 1,534,338 alleles (0.0077%); highest among the groups gnomAD compares: African/African-American, 0.12%; no homozygotes.

Submissions (3):

Ambry Genetics
Classification: Uncertain significance. Last evaluated: 2024-08-21. Review status: criteria provided, single submitter. Criteria: Ambry Variant Classification Scheme 2023. Collection method: clinical testing. Allele origin: germline.

Labcorp Genetics (formerly Invitae), Labcorp
Classification: Uncertain significance. Last evaluated: 2022-07-06. Review status: criteria provided, single submitter. Criteria: Invitae Variant Classification Sherloc (09022015). Collection method: clinical testing. Allele origin: germline.
Comment: This sequence change replaces arginine, which is basic and polar, with glutamine, which is neutral and polar, at codon 848 of the PLEKHG2 protein (p.Arg848Gln). This variant is present in population databases (rs199844800, gnomAD 0.1%). In summary, the available evidence is currently insufficient to determine the role of this variant in disease. Therefore, it has been classified as a Variant of Uncertain Significance. Algorithms developed to predict the effect of sequence changes on RNA splicing suggest that this variant may create or strengthen a splice site. Algorithms developed to predict the effect of missense changes on protein structure and function are either unavailable or do not agree on the potential impact of this missense change (SIFT: "Deleterious"; PolyPhen-2: "Probably Damaging"; Align-GVGD: "Class C0"). ClinVar contains an entry for this variant (Variation ID: 1029862). This variant has not been reported in the literature in individuals affected with PLEKHG2-related conditions.

Baylor Genetics
Classification: Uncertain significance for Leukodystrophy and acquired microcephaly with or without dystonia;. Last evaluated: 2019-03-26. Review status: criteria provided, single submitter. Criteria: ACMG Guidelines, 2015. Collection method: clinical testing. Allele origin: unknown. Affected: yes.
Comment: This variant was determined to be of uncertain significance according to ACMG Guidelines, 2015 [PMID:25741868].